The following is an entry in ClinVar:

ClinVar aggregate classification (germline): Benign/Likely benign. Review status: criteria provided, multiple submitters, no conflicts (2 of 4 stars). 3 submissions from 3 submitters: Benign (2); Likely benign (1). Last evaluated 2026-02-02.

Conditions:
Developmental and epileptic encephalopathy, 23 (DEE23). Also called: Epileptic encephalopathy, early infantile, 23. Identifiers: Orphanet 411986, MedGen C4014492, MONDO:0014371, OMIM 615859.

Submissions (3):

Labcorp Genetics (formerly Invitae), Labcorp
Classification: Benign for Developmental and epileptic encephalopathy, 23. Last evaluated: 2026-02-02. Review status: criteria provided, single submitter. Criteria: Invitae Variant Classification Sherloc (09022015). Collection method: clinical testing. Allele origin: germline.

Genome-Nilou Lab
Classification: Benign for Developmental and epileptic encephalopathy, 23. Last evaluated: 2023-04-11. Review status: criteria provided, single submitter. Criteria: ACMG Guidelines, 2015. Collection method: clinical testing. Allele origin: germline. Affected: no.

Center for Pediatric Genomic Medicine, Children's Mercy Hospital and Clinics
Classification: Likely benign. Last evaluated: 2016-02-02. Review status: criteria provided, single submitter. Criteria: ACMG Guidelines, 2015. Collection method: clinical testing. Allele origin: germline.
ClinVar note: Converted during submission from Likely Benign to Likely benign.

NM_001367561.1(DOCK7):c.1283-14del

Gene: DOCK7 (dedicator of cytokinesis 7; minus strand). Cytogenetic location: 1p31.3.
Variant type: Deletion.
Coding change: c.1283-14del on transcript NM_001367561.1 (MANE Select); 14 bases into the intron before coding-DNA position 1283, one base deleted (T; older notation c.1283-14delT).
Molecular consequence: intron variant.
Genome position (GRCh38, 1-based): chr1:62,625,415, A deleted on the plus strand (T on the coding strand, the reverse complement: DOCK7 is on the minus strand); the first of 10 consecutive A bases (chr1:62,625,415-62,625,424); deleting any one gives the same sequence. VCF-style (leftmost placement, unchanged base first): chr1-62625414-TA-T. GRCh37 (hg19) VCF-style: chr1-63091085-TA-T.
Other names: c.1283-14del (NM_001272001.2, NM_001272000.2, NM_033407.4 and 3 more transcripts).
Identifiers: ClinVar variation 235780 (VCV000235780.12), dbSNP rs541344421, ClinGen allele CA886984.